The following is an entry in ClinVar:

NM_001793.6(CDH3):c.45+6C>T

Genes: CDH3 (cadherin 3; plus strand), CDH3-AS1 (CDH3 antisense RNA 1; minus strand). Cytogenetic location: 16q22.1.
Variant type: single nucleotide variant.
Coding change: c.45+6C>T on transcript NM_001793.6 (MANE Select); 6 bases into the intron after coding-DNA position 45, C replaced by T.
Molecular consequence: intron variant.
Genome position (GRCh38, 1-based): chr16:68,645,430, C>T. VCF-style: chr16-68645430-C-T. GRCh37 (hg19) VCF-style: chr16-68679333-C-T.
Other names: c.-6+6C>T (NM_001317196.2); c.45+6C>T (NM_001317195.3).
Identifiers: ClinVar variation 885659 (VCV000885659.9), dbSNP rs562645181, ClinGen allele CA283296916.
Genomic context (GRCh38, chr16:68,645,430, plus strand): 5'-CTCTGCAGCCATGGGGCTCCCTCGTGGACCTCTCGCGTCTCTCCTCCTTCTCCAGGTACT[C>T]CACAGCCTCGCCGTGGCCCCGACCGGGACCGCTCCCTGGGGGGCGGGCGGGGTCCGCATG-3'

ClinVar aggregate classification (germline): Uncertain significance. Review status: criteria provided, multiple submitters, no conflicts (2 of 4 stars). 2 submissions from 2 submitters: Uncertain significance (2). Last evaluated 2022-03-10.

Conditions:
EEM syndrome (EEMS). Identifiers: Orphanet 1897, MedGen C1857041, MONDO:0009155, OMIM 225280.

Allele frequency attached by ClinVar (database versions not stated): TOPMed 0.00001.
gnomAD v4.1: 4 of 1,613,154 alleles (0.00025%); highest among the groups gnomAD compares: Admixed American, 0.0017%; no homozygotes.

Submissions (2):

Labcorp Genetics (formerly Invitae), Labcorp
Classification: Uncertain significance. Last evaluated: 2022-03-10. Review status: criteria provided, single submitter. Criteria: Invitae Variant Classification Sherloc (09022015). Collection method: clinical testing. Allele origin: germline.
Comment: This variant has not been reported in the literature in individuals affected with CDH3-related conditions. ClinVar contains an entry for this variant (Variation ID: 885659). Variants that disrupt the consensus splice site are a relatively common cause of aberrant splicing (PMID: 17576681, 9536098). Algorithms developed to predict the effect of sequence changes on RNA splicing suggest that this variant is not likely to affect RNA splicing. In summary, the available evidence is currently insufficient to determine the role of this variant in disease. Therefore, it has been classified as a Variant of Uncertain Significance. This variant is not present in population databases (gnomAD no frequency). This sequence change falls in intron 1 of the CDH3 gene. It does not directly change the encoded amino acid sequence of the CDH3 protein. It affects a nucleotide within the consensus splice site.

Illumina Laboratory Services, Illumina
Classification: Uncertain significance for EEM syndrome. Last evaluated: 2018-01-12. Review status: criteria provided, single submitter. Criteria: ICSL Variant Classification Criteria 13 December 2019. Collection method: clinical testing. Allele origin: germline.

Literature cited by the submitters: PubMed 17576681 (cited by Labcorp Genetics (formerly Invitae), Labcorp); PubMed 9536098 (cited by Labcorp Genetics (formerly Invitae), Labcorp).